The following is an entry in ClinVar:

NM_005228.5(EGFR):c.1207+8C>G

Genes: EGFR (epidermal growth factor receptor; plus strand), LOC126860048 (P300/CBP strongly-dependent group 1 enhancer GRCh37_chr7:55223847-55225046; plus strand). Cytogenetic location: 7p11.2.
Variant type: single nucleotide variant.
Coding change: c.1207+8C>G on transcript NM_005228.5 (MANE Select); 8 bases into the intron after coding-DNA position 1207, C replaced by G.
Molecular consequence: intron variant. On other transcripts: missense variant (1).
Genome position (GRCh38, 1-based): chr7:55,156,840, C>G. VCF-style: chr7-55156840-C-G. GRCh37 (hg19) VCF-style: chr7-55224533-C-G.
Other names: c.1215C>G, p.Ser405Arg (NM_201283.2); c.1072+8C>G (NM_001346899.2, NM_001346897.2); c.406+8C>G (NM_001346941.2); c.1207+8C>G (NM_001346898.2, NM_201284.2, NM_201282.2); c.1048+8C>G (NM_001346900.2); short protein forms S405R.
Identifiers: ClinVar variation 2701271 (VCV002701271.3), dbSNP rs2128938816, ClinGen allele CA367578769.

ClinVar aggregate classification (germline): Uncertain significance (1 of 4 stars; one submission).

Conditions:
EGFR-related lung cancer (EGFR). Identifiers: MedGen CN130014.

Submission:

Labcorp Genetics (formerly Invitae), Labcorp
Classification: Uncertain significance for EGFR-related lung cancer. Last evaluated: 2023-12-06. Review status: criteria provided, single submitter. Criteria: Invitae Variant Classification Sherloc (09022015). Collection method: clinical testing. Allele origin: germline.
Comment: This sequence change falls in intron 10 of the EGFR gene. It does not directly change the encoded amino acid sequence of the EGFR protein. This variant is not present in population databases (gnomAD no frequency). This variant has not been reported in the literature in individuals affected with EGFR-related conditions. Algorithms developed to predict the effect of sequence changes on RNA splicing suggest that this variant may disrupt the consensus splice site. In summary, the available evidence is currently insufficient to determine the role of this variant in disease. Therefore, it has been classified as a Variant of Uncertain Significance.